The following is an entry in ClinVar:

NM_198253.3(TERT):c.2897C>T (p.Ala966Val)

Gene: TERT (telomerase reverse transcriptase; minus strand). Cytogenetic location: 5p15.33.
Variant type: single nucleotide variant.
Coding change: c.2897C>T on transcript NM_198253.3 (MANE Select); coding-DNA position 2897, C replaced by T.
Protein change: p.Ala966Val; replaces alanine 966 with valine.
Molecular consequence: missense variant. On other transcripts: non-coding transcript variant (2).
Genome position (GRCh38, 1-based): chr5:1,260,547, G>A on the plus strand (C>T on the coding strand, the complement: TERT is on the minus strand). VCF-style: chr5-1260547-G-A. GRCh37 (hg19) VCF-style: chr5-1260662-G-A.
Other names: c.2708C>T, p.Ala903Val (NM_001193376.3); short protein forms A903V, A966V.
Identifiers: ClinVar variation 1037614 (VCV001037614.11), dbSNP rs766236334, ClinGen allele CA359070128.
Genomic context (GRCh38, chr5:1,260,547, plus strand): 5'-AACAGGCTGTGACACTTCAGCCGCAAGACCCCAAAGAGTTTGCGACGCATGTTCCTCCCA[G>A]CCTTGAAGCCGCGGTTGAAGGTGAGACTGGCTCTGATGGAGGTCCGGGCATAGCTGAGAC-3'
Protein context (NP_937983.2, residues 956-976): ASLTFNRGFK[Ala966Val]GRNMRRKLFG

ClinVar aggregate classification (germline): Uncertain significance. Review status: criteria provided, multiple submitters, no conflicts (2 of 4 stars). 2 submissions from 2 submitters: Uncertain significance (2). Last evaluated 2022-09-05.

Conditions:
Idiopathic Pulmonary Fibrosis. Also called: Idiopathic fibrosing alveolitis, chronic form; idiopathic fibrosing alveolitis. Identifiers: Orphanet 2032, MedGen C1800706, MeSH D054990, MONDO:0800504.
Dyskeratosis congenita, autosomal dominant 2. Identifiers: MedGen C3151443, MONDO:0013521, OMIM 613989.
Dyskeratosis congenita. Identifiers: Orphanet 1775, MedGen C0265965, MONDO:0015780.

Allele frequency attached by ClinVar (database versions not stated): gnomAD exomes below 0.00001.
gnomAD v4.1: 1 of 1,614,194 alleles (0.000062%); highest among the groups gnomAD compares: Non-Finnish European, 0.000085%; no homozygotes.

Submissions (2):

Labcorp Genetics (formerly Invitae), Labcorp
Classification: Uncertain significance for Dyskeratosis congenita, autosomal dominant 2; Idiopathic Pulmonary Fibrosis. Last evaluated: 2022-09-05. Review status: criteria provided, single submitter. Criteria: Invitae Variant Classification Sherloc (09022015). Collection method: clinical testing. Allele origin: germline.
Comment: In summary, the available evidence is currently insufficient to determine the role of this variant in disease. Therefore, it has been classified as a Variant of Uncertain Significance. Algorithms developed to predict the effect of sequence changes on RNA splicing suggest that this variant may create or strengthen a splice site. Algorithms developed to predict the effect of missense changes on protein structure and function output the following: SIFT: "Deleterious"; PolyPhen-2: "Benign"; Align-GVGD: "Class C0". The valine amino acid residue is found in multiple mammalian species, which suggests that this missense change does not adversely affect protein function. ClinVar contains an entry for this variant (Variation ID: 1037614). This variant has not been reported in the literature in individuals affected with TERT-related conditions. This variant is not present in population databases (gnomAD no frequency). This sequence change replaces alanine, which is neutral and non-polar, with valine, which is neutral and non-polar, at codon 966 of the TERT protein (p.Ala966Val).

Ambry Genetics
Classification: Uncertain significance for Dyskeratosis congenita. Last evaluated: 2022-04-25. Review status: criteria provided, single submitter. Criteria: Ambry Variant Classification Scheme 2023. Collection method: clinical testing. Allele origin: germline.
Comment: The p.A966V variant (also known as c.2897C>T), located in coding exon 12 of the TERT gene, results from a C to T substitution at nucleotide position 2897. The alanine at codon 966 is replaced by valine, an amino acid with similar properties. This amino acid position is conserved. In addition, this alteration is predicted to be tolerated by in silico analysis. Since supporting evidence is limited at this time, the clinical significance of this alteration remains unclear.